The following is an entry in ClinVar:

NM_000138.5(FBN1):c.4177del (p.Glu1393fs)

Gene: FBN1 (fibrillin 1; minus strand). Cytogenetic location: 15q21.1.
Variant type: Deletion.
Coding change: c.4177del on transcript NM_000138.5 (MANE Select); coding-DNA position 4177, one base deleted (G; older notation c.4177delG).
Protein change: p.Glu1393fs; shifts the reading frame from glutamic acid 1393.
Molecular consequence: frameshift variant.
Genome position (GRCh38, 1-based): chr15:48,474,288, C deleted on the plus strand (G on the coding strand, the reverse complement: FBN1 is on the minus strand); the first of 2 consecutive C bases (chr15:48,474,288-48,474,289); deleting either gives the same sequence. VCF-style (leftmost placement, unchanged base first): chr15-48474287-TC-T. GRCh37 (hg19) VCF-style: chr15-48766484-TC-T.
Other names: short protein forms E1393fs.
Identifiers: ClinVar variation 862320 (VCV000862320.9), dbSNP rs2043401705, ClinGen allele CA916082395.

ClinVar aggregate classification (germline): Pathogenic (1 of 4 stars; one submission).

Conditions:
Familial thoracic aortic aneurysm and aortic dissection (TAAD). Also called: Thoracic aortic aneurysms and dissections. Identifiers: Orphanet 91387, MedGen C4707243, MONDO:0019625.
Marfan syndrome (MFS). Also called: FBN1-Related Marfan Syndrome; Marfan's syndrome; MARFAN SYNDROME, TYPE I; Marfan syndrome type 1; Marfan syndrome, classic. Identifiers: Orphanet 284963, Orphanet 558, MedGen C0024796, MONDO:0007947, OMIM 154700.

Submission:

Labcorp Genetics (formerly Invitae), Labcorp
Classification: Pathogenic for Marfan syndrome; Familial thoracic aortic aneurysm and aortic dissection. Last evaluated: 2022-10-06. Review status: criteria provided, single submitter. Criteria: Invitae Variant Classification Sherloc (09022015). Collection method: clinical testing. Allele origin: germline.
Comment: This premature translational stop signal has been observed in individual(s) with Marfan syndrome (PMID: 12068374). It has also been observed to segregate with disease in related individuals. For these reasons, this variant has been classified as Pathogenic. Algorithms developed to predict the effect of sequence changes on RNA splicing suggest that this variant may create or strengthen a splice site. ClinVar contains an entry for this variant (Variation ID: 862320). This variant is not present in population databases (gnomAD no frequency). This sequence change creates a premature translational stop signal (p.Glu1393Lysfs*20) in the FBN1 gene. It is expected to result in an absent or disrupted protein product. Loss-of-function variants in FBN1 are known to be pathogenic (PMID: 17657824, 19293843).

Literature cited by the submitters: PubMed 12068374; PubMed 17657824; PubMed 19293843.